The following is an entry in ClinVar:

NM_005732.4(RAD50):c.3302A>G (p.Glu1101Gly)

Gene: RAD50 (RAD50 double strand break repair protein; plus strand). Cytogenetic location: 5q31.1.
Variant type: single nucleotide variant.
Coding change: c.3302A>G on transcript NM_005732.4 (MANE Select); coding-DNA position 3302, A replaced by G.
Protein change: p.Glu1101Gly; replaces glutamic acid 1101 with glycine.
Molecular consequence: missense variant.
Genome position (GRCh38, 1-based): chr5:132,618,207, A>G. VCF-style: chr5-132618207-A-G. GRCh37 (hg19) VCF-style: chr5-131953899-A-G.
Other names: short protein forms E1101G.
Identifiers: ClinVar variation 457442 (VCV000457442.16), dbSNP rs756702059, ClinGen allele CA3405551.
Genomic context (GRCh38, chr5:132,618,207, plus strand): 5'-ATGAAGAAGAAATTATTCATTTTAAGAAAGAACTTCGAGAACCACAATTTCGGGATGCTG[A>G]GGAAAAGTATAGAGAAATGATGATTGTTATGAGGACAACAGAACTTGTGAACAAGGATCT-3'
Protein context (NP_005723.2, residues 1091-1111): ELREPQFRDA[Glu1101Gly]EKYREMMIVM

ClinVar aggregate classification (germline): Uncertain significance. Review status: criteria provided, multiple submitters, no conflicts (2 of 4 stars). 2 submissions from 2 submitters: Uncertain significance (2). Last evaluated 2025-12-15.

Conditions:
Hereditary cancer-predisposing syndrome. Also called: Neoplastic Syndromes, Hereditary; Tumor predisposition; Hereditary neoplastic syndrome; Hereditary Cancer Syndrome. Identifiers: Orphanet 140162, MedGen C0027672, MeSH D009386, MONDO:0015356.

Allele frequency attached by ClinVar (database versions not stated): gnomAD exomes 0.00001 and below 0.00001; ExAC 0.00001.
gnomAD v4.1: 3 of 1,614,036 alleles (0.00019%); highest among the groups gnomAD compares: Non-Finnish European, 0.00025%; no homozygotes.

Submissions (2):

Ambry Genetics
Classification: Uncertain significance for Hereditary cancer-predisposing syndrome. Last evaluated: 2025-12-15. Review status: criteria provided, single submitter. Criteria: Ambry Variant Classification Scheme 2023. Collection method: clinical testing. Allele origin: germline.
Comment: The p.E1101G variant (also known as c.3302A>G), located in coding exon 21 of the RAD50 gene, results from an A to G substitution at nucleotide position 3302. The glutamic acid at codon 1101 is replaced by glycine, an amino acid with similar properties. This amino acid position is well conserved in available vertebrate species. In addition, this alteration is predicted to be tolerated by in silico analysis. Since supporting evidence is limited at this time, the clinical significance of this alteration remains unclear.

Labcorp Genetics (formerly Invitae), Labcorp
Classification: Uncertain significance for Hereditary cancer-predisposing syndrome. Last evaluated: 2025-07-17. Review status: criteria provided, single submitter. Criteria: Invitae Variant Classification Sherloc (09022015). Collection method: clinical testing. Allele origin: germline.
Comment: This sequence change replaces glutamic acid, which is acidic and polar, with glycine, which is neutral and non-polar, at codon 1101 of the RAD50 protein (p.Glu1101Gly). This variant is present in population databases (rs756702059, gnomAD 0.002%). This variant has not been reported in the literature in individuals affected with RAD50-related conditions. ClinVar contains an entry for this variant (Variation ID: 457442). Invitae Evidence Modeling of protein sequence and biophysical properties (such as structural, functional, and spatial information, amino acid conservation, physicochemical variation, residue mobility, and thermodynamic stability) indicates that this missense variant is not expected to disrupt RAD50 protein function with a negative predictive value of 80%. In summary, the available evidence is currently insufficient to determine the role of this variant in disease. Therefore, it has been classified as a Variant of Uncertain Significance.